The following is an entry in ClinVar:

NM_007294.4(BRCA1):c.1342C>T (p.His448Tyr)

Gene: BRCA1 (BRCA1 DNA repair associated; minus strand). Cytogenetic location: 17q21.31.
Variant type: single nucleotide variant.
Coding change: c.1342C>T on transcript NM_007294.4 (MANE Select); coding-DNA position 1342, C replaced by T.
Protein change: p.His448Tyr; replaces histidine 448 with tyrosine.
Molecular consequence: missense variant. On other transcripts: intron variant (137).
Genome position (GRCh38, 1-based): chr17:43,094,189, G>A on the plus strand (C>T on the coding strand, the complement: BRCA1 is on the minus strand). VCF-style: chr17-43094189-G-A. GRCh37 (hg19) VCF-style: chr17-41246206-G-A.
Other names: c.1129C>T, p.His377Tyr (NM_001407571.1, NM_001407853.1, NM_001407894.1 and 9 more transcripts); c.1342C>T, p.His448Tyr (NM_001407581.1, NM_001407582.1, NM_001407583.1 and 30 more transcripts); c.1339C>T, p.His447Tyr (NM_001407587.1, NM_001407590.1, NM_001407591.1 and 22 more transcripts); c.1333C>T, p.His445Tyr (NM_001407646.1, NM_001407647.1); c.1219C>T, p.His407Tyr (NM_001407648.1, NM_001407664.1, NM_001407665.1 and 19 more transcripts); c.1216C>T, p.His406Tyr (NM_001407649.1, NM_001407670.1, NM_001407671.1 and 11 more transcripts); c.1264C>T, p.His422Tyr (NM_001407653.1, NM_001407654.1, NM_001407655.1 and 4 more transcripts); c.1261C>T, p.His421Tyr (NM_001407659.1, NM_001407660.1, NM_001407661.1 and 1 more transcripts); and 40 more; short protein forms H448Y, H401Y, H381Y, H406Y, H447Y, H152Y, H321Y, H337Y.
Identifiers: ClinVar variation 187241 (VCV000187241.25), dbSNP rs786203578, ClinGen allele CA000880.
Genomic context (GRCh38, chr17:43,094,189, plus strand): 5'-TCTTCCGATAGGTTTTCCCAAATATTTTGTCTTCAATATTACTCTCTACTGATTTGGAGT[G>A]AACTCTTTCACTTTTACATATTAAAGCCTCATGAGGATCACTGGCCAGTAAGTCTATTTT-3'
Protein context (NP_009225.1, residues 438-458): EALICKSERV[His448Tyr]SKSVESNIED

ClinVar aggregate classification (germline): Conflicting classifications of pathogenicity. Review status: criteria provided, conflicting classifications (1 of 4 stars). 7 submissions from 7 submitters: Uncertain significance (5); Likely benign (2). Last evaluated 2025-09-05.

Conditions:
BRCA1-related cancer predisposition. Identifiers: MedGen CN377757, MONDO:0700268.
Hereditary cancer-predisposing syndrome. Also called: Neoplastic Syndromes, Hereditary; Tumor predisposition; Hereditary Cancer Syndrome; Hereditary neoplastic syndrome. Identifiers: Orphanet 140162, MedGen C0027672, MeSH D009386, MONDO:0015356.
Hereditary breast ovarian cancer syndrome. Also called: Hereditary breast and ovarian cancer; Hereditary breast and/or ovarian cancer syndrome; BRCA1- and BRCA2-Associated Hereditary Breast and Ovarian Cancer; Hereditary breast and ovarian cancer syndrome (HBOC); Hereditary breast and ovarian cancer syndrome; Breast and ovarian cancer. Identifiers: Orphanet 145, MedGen C0677776, MeSH D061325, MONDO:0003582. Disease mechanism: loss of function.

Allele frequency attached by ClinVar (database versions not stated): gnomAD exomes below 0.00001 and 0.00001; gnomAD 0.00002; TOPMed 0.00002.
gnomAD v4.1: 6 of 1,613,900 alleles (0.00037%); highest among the groups gnomAD compares: African/African-American, 0.0067%; no homozygotes.

Submissions (7):

Quest Diagnostics Nichols Institute San Juan Capistrano
Classification: Uncertain significance. Last evaluated: 2025-09-05. Review status: criteria provided, single submitter. Criteria: Quest Diagnostics criteria. Collection method: clinical testing. Allele origin: unknown.
Comment: The BRCA1 c.1342C>T (p.His448Tyr) variant has been reported in the published literature in a family with a history of prostate cancer (PMID: 15447980 (2004)) and is located in a region of the BRCA1 gene that is tolerant to missense sequence changes (PMID: 31911673 (2020)). The frequency of this variant in the general population (Genome Aggregation Database) is uninformative in the assessment of its pathogenicity. Analysis of this variant using bioinformatics tools for the prediction of the effect of amino acid changes on protein structure and function yielded conflicting predictions that this variant is deleterious or benign. Based on the available information, we are unable to determine the clinical significance of this variant.

Labcorp Genetics (formerly Invitae), Labcorp
Classification: Likely benign for Hereditary breast ovarian cancer syndrome. Last evaluated: 2025-03-09. Review status: criteria provided, single submitter. Criteria: Invitae Variant Classification Sherloc (09022015). Collection method: clinical testing. Allele origin: germline.

Ambry Genetics
Classification: Uncertain significance for Hereditary cancer-predisposing syndrome. Last evaluated: 2024-12-10. Review status: criteria provided, single submitter. Criteria: Ambry Variant Classification Scheme 2023. Collection method: clinical testing. Allele origin: germline.
Comment: The p.H448Y variant (also known as c.1342C>T), located in coding exon 9 of the BRCA1 gene, results from a C to T substitution at nucleotide position 1342. The histidine at codon 448 is replaced by tyrosine, an amino acid with similar properties. In one study, this alteration was identified in a hereditary prostate cancer family; however, it was identified in both affected and unaffected males (Zuhlke, KA et al. Clin Cancer Res. 2004 Sep 15;10(18 Pt 1):5975-80). This variant was also identified in an individual diagnosed with breast and/or ovarian cancer (Zuntini R et al. Front Genet, 2018 Sep;9:378). This amino acid position is not well conserved in available vertebrate species. In addition, the in silico prediction for this alteration is inconclusive. Based on the available evidence, the clinical significance of this variant remains unclear.

All of Us Research Program, National Institutes of Health
Classification: Uncertain significance for BRCA1-related cancer predisposition. Last evaluated: 2024-07-20. Review status: criteria provided, single submitter. Criteria: ACMG Guidelines, 2015. Collection method: clinical testing. Allele origin: germline. Inheritance: Autosomal dominant inheritance. Observed: 1 variant allele, 1 heterozygote.
Comment: This missense variant replaces histidine with tyrosine at codon 448 of the BRCA1 protein. Computational prediction is inconclusive regarding the impact of this variant on protein structure and function. To our knowledge, functional studies have not been reported for this variant. This variant has been reported in a suspected hereditary prostate cancer family in both affected and unaffected males (PMID: 15447980). Two multifactorial analyses have reported likelihood ratios (LR) based on family history or personal and family history of 0.2799 and 0.9841 (from log(LR) = -0.006975795142), respectively (PMID: 31131967, 31853058). This variant has been identified in 2/250878 chromosomes in the general population by the Genome Aggregation Database (gnomAD). The available evidence is insufficient to determine the role of this variant in disease conclusively. Therefore, this variant is classified as a Variant of Uncertain Significance.

This study involves interpretation of variants in research participants for the purpose of population health screening. Participant phenotype was not available at the time of variant classification. Additional details can be found in publication PMID: 35346344, PMCID: PMC8962531

University of Washington Department of Laboratory Medicine, University of Washington
Classification: Likely benign for Hereditary cancer-predisposing syndrome. Last evaluated: 2023-03-23. Review status: criteria provided, single submitter. Criteria: Dines et al. (Genet Med. 2020). Collection method: curation. Allele origin: germline.
Comment: Missense variant in a coldspot region where missense variants are very unlikely to be pathogenic (PMID:31911673).

BRCA1 coldspot (exon 11 using historical exon numbering). Reclassification based on statistical prior probability

Sema4
Classification: Uncertain significance for Hereditary cancer-predisposing syndrome. Last evaluated: 2022-01-18. Review status: criteria provided, single submitter. Criteria: Sema4 Curation Guidelines. Collection method: curation. Allele origin: germline.
Comment: The BRCA1 c.1342C>T (p.H448Y) variant has been reported in heterozygosity in at least one family with prostate cancer, where the variant was found in affected and unaffected individuals of the family (PMID: 15447980). This variant was observed in 2/15290 chromosomes in the African population according to the Genome Aggregation Database (PMID: 32461654), and has been reported in ClinVar (Variation ID: 187241). Functional studies have not been performed, and in silico predictions of the variant's effect on protein function are inconclusive. Based on the current evidence available, this variant is interpreted as a variant of uncertain significance.

Women's Health and Genetics/Laboratory Corporation of America, LabCorp
Classification: Uncertain significance. Last evaluated: 2019-10-03. Review status: criteria provided, single submitter. Criteria: LabCorp Variant Classification Summary - May 2015. Collection method: clinical testing. Allele origin: germline.
Comment: Variant summary: BRCA1 c.1342C>T (p.His448Tyr) results in a conservative amino acid change located in the BRCA1, Serine-rich domain (IPRO25994) of the encoded protein sequence. Five of five in-silico tools predict a benign effect of the variant on protein function. The variant allele was found at a frequency of 8e-06 in 250878 control chromosomes. The available data on variant occurrences in the general population are insufficient to allow any conclusion about variant significance. c.1342C>T has been reported in the literature in a sequencing study of individuals affected with Prostate cancer where it was reportedly identified among some unaffected males in one bileneal family (Zuhlke_2004). These report(s) do not provide unequivocal conclusions about association of the variant with Hereditary Breast and Ovarian Cancer. Co-occurrences with other pathogenic variant(s) have been reported in the BIC database (BRCA2 c.7180A>T, p.Arg2394Ter), providing supporting evidence for a benign role. To our knowledge, no experimental evidence demonstrating an impact on protein function has been reported. Three clinical diagnostic laboratories have submitted clinical-significance assessments for this variant to ClinVar after 2014 without evidence for independent evaluation. All laboratories classified the variant as uncertain significance. Based on the evidence outlined above, the variant was classified as uncertain significance.

Literature cited by the submitters: PubMed 33087888 (cited by Quest Diagnostics Nichols Institute San Juan Capistrano); PubMed 30254663 (cited by Quest Diagnostics Nichols Institute San Juan Capistrano and Ambry Genetics); PubMed 31911673 (cited by Quest Diagnostics Nichols Institute San Juan Capistrano); PubMed 15447980 (cited by 4 submitters); PubMed 26295337 (cited by Quest Diagnostics Nichols Institute San Juan Capistrano); PubMed 31131967 (cited by All of Us Research Program, National Institutes of Health); PubMed 31853058 (cited by All of Us Research Program, National Institutes of Health).